The following is an entry in ClinVar:

ClinVar aggregate classification (germline): Uncertain significance (1 of 4 stars; one submission).

Conditions:
Brugada syndrome 8 (BRGDA8). Identifiers: Orphanet 130, MedGen C2751083, MONDO:0013148, OMIM 613123.

gnomAD v4.1: 4 of 1,614,100 alleles (0.00025%); highest among the groups gnomAD compares: Non-Finnish European, 0.00034%; no homozygotes.

Submission:

Labcorp Genetics (formerly Invitae), Labcorp
Classification: Uncertain significance for Brugada syndrome 8. Last evaluated: 2025-03-16. Review status: criteria provided, single submitter. Criteria: Invitae Variant Classification Sherloc (09022015). Collection method: clinical testing. Allele origin: germline.
Comment: This sequence change replaces arginine, which is basic and polar, with histidine, which is basic and polar, at codon 558 of the HCN4 protein (p.Arg558His). This variant is present in population databases (rs775478779, gnomAD 0.006%). This variant has not been reported in the literature in individuals affected with HCN4-related conditions. Invitae Evidence Modeling of protein sequence and biophysical properties (such as structural, functional, and spatial information, amino acid conservation, physicochemical variation, residue mobility, and thermodynamic stability) has been performed for this missense variant. However, the output from this modeling did not meet the statistical confidence thresholds required to predict the impact of this variant on HCN4 protein function. In summary, the available evidence is currently insufficient to determine the role of this variant in disease. Therefore, it has been classified as a Variant of Uncertain Significance.

NM_005477.3(HCN4):c.1673G>A (p.Arg558His)

Gene: HCN4 (hyperpolarization activated cyclic nucleotide gated potassium channel 4; minus strand). Cytogenetic location: 15q24.1.
Variant type: single nucleotide variant.
Coding change: c.1673G>A on transcript NM_005477.3 (MANE Select); coding-DNA position 1673, G replaced by A.
Protein change: p.Arg558His; replaces arginine 558 with histidine.
Molecular consequence: missense variant.
Genome position (GRCh38, 1-based): chr15:73,325,362, C>T on the plus strand (G>A on the coding strand, the complement: HCN4 is on the minus strand). VCF-style: chr15-73325362-C-T. GRCh37 (hg19) VCF-style: chr15-73617703-C-T.
Other names: short protein forms R558H.
Identifiers: ClinVar variation 4707044 (VCV004707044.1).